The following is an entry in ClinVar:

ClinVar aggregate classification (germline): Uncertain significance (1 of 4 stars; one submission).

Conditions:
Charcot-Marie-Tooth disease dominant intermediate C (CMTDIC). Also called: CHARCOT-MARIE-TOOTH NEUROPATHY, DOMINANT INTERMEDIATE C. Identifiers: Orphanet 100045, MedGen C1842237, MONDO:0012012, OMIM 608323.

Submission:

Labcorp Genetics (formerly Invitae), Labcorp
Classification: Uncertain significance for Charcot-Marie-Tooth disease dominant intermediate C. Last evaluated: 2021-03-09. Review status: criteria provided, single submitter. Criteria: Invitae Variant Classification Sherloc (09022015). Collection method: clinical testing. Allele origin: germline.
Comment: This variant is not present in population databases (ExAC no frequency). In summary, the available evidence is currently insufficient to determine the role of this variant in disease. Therefore, it has been classified as a Variant of Uncertain Significance. Algorithms developed to predict the effect of missense changes on protein structure and function are either unavailable or do not agree on the potential impact of this missense change (SIFT: "Not Available"; PolyPhen-2: "Benign"; Align-GVGD: "Not Available"). This variant has not been reported in the literature in individuals with YARS-related conditions. This sequence change replaces serine with asparagine at codon 221 of the YARS protein (p.Ser221Asn). The serine residue is moderately conserved and there is a small physicochemical difference between serine and asparagine.

NM_003680.4(YARS1):c.662G>A (p.Ser221Asn)

Gene: YARS1 (tyrosyl-tRNA synthetase 1; minus strand). Cytogenetic location: 1p35.1.
Variant type: single nucleotide variant.
Coding change: c.662G>A on transcript NM_003680.4 (MANE Select); coding-DNA position 662, G replaced by A.
Protein change: p.Ser221Asn; replaces serine 221 with asparagine.
Molecular consequence: missense variant.
Genome position (GRCh38, 1-based): chr1:32,791,184, C>T on the plus strand (G>A on the coding strand, the complement: YARS1 is on the minus strand). VCF-style: chr1-32791184-C-T. GRCh37 (hg19) VCF-style: chr1-33256785-C-T.
Other names: short protein forms S221N.
Identifiers: ClinVar variation 1009954 (VCV001009954.7), dbSNP rs1653401735, ClinGen allele CA339686328.